The following is an entry in ClinVar:

ClinVar aggregate classification (germline): Uncertain significance. Review status: criteria provided, multiple submitters, no conflicts (2 of 4 stars). 3 submissions from 3 submitters: Uncertain significance (3). Last evaluated 2025-12-02.

Conditions:
Thrombocythemia 3 (THCYT3). Also called: THROMBOCYTHEMIA 3, SOMATIC; THROMBOCYTOSIS 3. Identifiers: MedGen C3281125, MONDO:0013794, OMIM 614521.

Allele frequency attached by ClinVar (database versions not stated): gnomAD 0.00023; ExAC 0.00010; ESP Exome Variant Server 0.00008.
gnomAD v4.1: 501 of 1,601,548 alleles (0.031%); highest among the groups gnomAD compares: Non-Finnish European, 0.04%; 1 homozygote.

Submissions (3):

Labcorp Genetics (formerly Invitae), Labcorp
Classification: Uncertain significance. Last evaluated: 2025-12-02. Review status: criteria provided, single submitter. Criteria: Invitae Variant Classification Sherloc (09022015). Collection method: clinical testing. Allele origin: germline.
Comment: This sequence change replaces serine, which is neutral and polar, with cysteine, which is neutral and slightly polar, at codon 797 of the JAK2 protein (p.Ser797Cys). This variant is present in population databases (rs201992086, gnomAD 0.02%). This variant has not been reported in the literature in individuals affected with JAK2-related conditions. ClinVar contains an entry for this variant (Variation ID: 2862680). Invitae Evidence Modeling of protein sequence and biophysical properties (such as structural, functional, and spatial information, amino acid conservation, physicochemical variation, residue mobility, and thermodynamic stability) indicates that this missense variant is not expected to disrupt JAK2 protein function with a negative predictive value of 80%. In summary, the available evidence is currently insufficient to determine the role of this variant in disease. Therefore, it has been classified as a Variant of Uncertain Significance.

St. Jude Molecular Pathology, St. Jude Children's Research Hospital
Classification: Uncertain significance for Thrombocythemia 3. Last evaluated: 2024-12-12. Review status: criteria provided, single submitter. Criteria: St. Jude Assertion Criteria 2020. Collection method: clinical testing. Allele origin: germline.
Comment: The JAK2 c.2390C>G (p.Ser797Cys) missense change has a maximum subpopulation frequency of 0.02% in gnomAD v2.1.1. The in silico tool REVEL predicts a benign effect on protein function, but to our knowledge this prediction has not been confirmed by functional studies. To our knowledge, this variant has not been reported in individuals with JAK2-related disease. In summary, the evidence currently available is insufficient to determine the clinical significance of this variant. It has therefore been classified as of uncertain significance.

GeneDx
Classification: Uncertain significance. Last evaluated: 2023-06-27. Review status: criteria provided, single submitter. Criteria: GeneDx Variant Classification Process June 2021. Collection method: clinical testing. Allele origin: germline. Affected: yes.
Comment: In silico analysis supports that this missense variant has a deleterious effect on protein structure/function; Observed in individuals with solid tumors, as well as in the bone marrow of individuals with myeloproliferative neoplasms (MPN); however, germline status was not confirmed in the patients with MPN (Jiang et al., 2018; Benton et al., 2019); This variant is associated with the following publications: (PMID: 36031433, 30811597, 29642553)

NM_004972.4(JAK2):c.2390C>G (p.Ser797Cys)

Genes: INSL6 (insulin like 6; minus strand), JAK2 (Janus kinase 2; plus strand). Cytogenetic location: 9p24.1.
Variant type: single nucleotide variant.
Coding change: c.2390C>G on transcript NM_004972.4 (MANE Select); coding-DNA position 2390, C replaced by G.
Protein change: p.Ser797Cys; replaces serine 797 with cysteine.
Molecular consequence: missense variant. On other transcripts: non-coding transcript variant (2).
Genome position (GRCh38, 1-based): chr9:5,080,639, C>G. VCF-style: chr9-5080639-C-G. GRCh37 (hg19) VCF-style: chr9-5080639-C-G.
Other names: c.2390C>G, p.Ser797Cys (NM_001322194.2, NM_001322195.2, NM_001322196.2); c.1175C>G, p.Ser392Cys (NM_001322198.2, NM_001322199.2); c.1943C>G, p.Ser648Cys (NM_001322204.2); short protein forms S648C, S797C, S392C.
Identifiers: ClinVar variation 2862680 (VCV002862680.5), dbSNP rs201992086, ClinGen allele CA4972130.